The following is an entry in ClinVar:

ClinVar aggregate classification (germline): Uncertain significance (1 of 4 stars; one submission).

Submission:

Mayo Clinic Laboratories, Mayo Clinic
Classification: Uncertain significance. Last evaluated: 2025-08-13. Review status: criteria provided, single submitter. Criteria: ACMG Guidelines, 2015. Collection method: clinical testing. Allele origin: germline. Observed: 4 variant alleles.
Comment: BP4_moderate, PM2_supporting

NM_001267550.2(TTN):c.1717A>C (p.Lys573Gln)

Gene: TTN (titin; minus strand). Cytogenetic location: 2q31.2.
Variant type: single nucleotide variant.
Coding change: c.1717A>C on transcript NM_001267550.2 (MANE Select); coding-DNA position 1717, A replaced by C.
Protein change: p.Lys573Gln; replaces lysine 573 with glutamine.
Molecular consequence: missense variant. On other transcripts: intron variant (3).
Genome position (GRCh38, 1-based): chr2:178,790,791, T>G on the plus strand (A>C on the coding strand, the complement: TTN is on the minus strand). VCF-style: chr2-178790791-T-G. GRCh37 (hg19) VCF-style: chr2-179655518-T-G.
Other names: p.Lys573Gln; c.1663-676A>C (NM_133432.3, NM_003319.4, NM_133437.4); c.1717A>C, p.Lys573Gln (NM_001256850.1, NM_133378.4, NM_133379.5); short protein forms K573Q.
Identifiers: ClinVar variation 4540774 (VCV004540774.1).